The following is an entry in ClinVar:

NM_000183.3(HADHB):c.568A>T (p.Lys190Ter)

Gene: HADHB (hydroxyacyl-CoA dehydrogenase trifunctional multienzyme complex subunit beta; plus strand). Cytogenetic location: 2p23.3.
Variant type: single nucleotide variant.
Coding change: c.568A>T on transcript NM_000183.3 (MANE Select); coding-DNA position 568, A replaced by T.
Protein change: p.Lys190Ter; replaces lysine 190 with a stop codon.
Molecular consequence: nonsense.
Genome position (GRCh38, 1-based): chr2:26,278,739, A>T. VCF-style: chr2-26278739-A-T. GRCh37 (hg19) VCF-style: chr2-26501607-A-T.
Other names: c.523A>T, p.Lys175Ter (NM_001281512.2); c.502A>T, p.Lys168Ter (NM_001281513.2); short protein forms K175*, K190*, K168*.
Identifiers: ClinVar variation 2784408 (VCV002784408.3), dbSNP rs372006332, ClinGen allele CA346092613.
Genomic context (GRCh38, chr2:26,278,739, plus strand): 5'-GATGTCCCTATTCGTCACTCAAGGAAAATGAGAAAACTGATGCTTGATCTCAATAAGGCC[A>T]AATCTATGGGCCAGCGACTGTCTTTAATCTCTAAATTCCGATTTAATTTCCTAGCACCTG-3'

ClinVar aggregate classification (germline): Pathogenic (1 of 4 stars; one submission).

Conditions:
Mitochondrial trifunctional protein deficiency. Identifiers: Orphanet 746, MedGen C1969443, MONDO:0012172.

Submission:

Labcorp Genetics (formerly Invitae), Labcorp
Classification: Pathogenic for Mitochondrial trifunctional protein deficiency. Last evaluated: 2023-12-13. Review status: criteria provided, single submitter. Criteria: Invitae Variant Classification Sherloc (09022015). Collection method: clinical testing. Allele origin: germline.
Comment: This sequence change creates a premature translational stop signal (p.Lys190*) in the HADHB gene. It is expected to result in an absent or disrupted protein product. Loss-of-function variants in HADHB are known to be pathogenic (PMID: 9259266, 12754706). This variant is not present in population databases (gnomAD no frequency). This variant has not been reported in the literature in individuals affected with HADHB-related conditions. For these reasons, this variant has been classified as Pathogenic.

Literature cited by the submitters: PubMed 9259266; PubMed 12754706.